The following is an entry in ClinVar:

ClinVar aggregate classification (germline): Benign. Review status: criteria provided, multiple submitters, no conflicts (2 of 4 stars). 7 submissions from 7 submitters: Benign (5). 2 of the submissions do not count toward it. Last evaluated 2026-02-01.

Conditions:
Cone dystrophy with supernormal rod response (CDSRR). Also called: CONE DYSTROPHY WITH SUPERNORMAL ROD RESPONSES. Identifiers: Orphanet 209932, MedGen C1835897, MONDO:0012475, OMIM 610356.

Allele frequency attached by ClinVar (database versions not stated): 1000 Genomes Project 0.00300; 1000 Genomes Project 30x 0.00344; TOPMed 0.00696; ESP Exome Variant Server 0.00709; gnomAD exomes 0.00750; gnomAD 0.00784 and 0.00801; ExAC 0.00802.

Submissions (7):

Labcorp Genetics (formerly Invitae), Labcorp
Classification: Benign. Last evaluated: 2026-02-01. Review status: criteria provided, single submitter. Criteria: Invitae Variant Classification Sherloc (09022015). Collection method: clinical testing. Allele origin: germline.

CeGaT Center for Human Genetics Tuebingen
Classification: Benign. Last evaluated: 2026-01-01. Review status: criteria provided, single submitter. Criteria: CeGaT Center For Human Genetics Tuebingen Variant Classification Criteria Version 2. Collection method: clinical testing. Allele origin: germline. Affected: yes. Observed: 7 variant alleles.
Comment: KCNV2: BP4, BS1, BS2

Illumina Laboratory Services, Illumina
Classification: Benign for Cone dystrophy with supernormal rod response. Last evaluated: 2017-04-27. Review status: criteria provided, single submitter. Criteria: ICSL Variant Classification Criteria 13 December 2019. Collection method: clinical testing. Allele origin: germline.
Comment: This variant was observed as part of a predisposition screen in an ostensibly healthy population. A literature search was performed for the gene, cDNA change, and amino acid change (where applicable). Publications were found based on this search. The evidence from the literature, in combination with allele frequency data from public databases where available, was sufficient to rule this variant out of causing disease. Therefore, this variant is classified as benign.

Eurofins Ntd Llc (ga)
Classification: Benign. Last evaluated: 2013-12-27. Review status: criteria provided, single submitter. Criteria: EGL Classification Definitions 2015. Collection method: clinical testing. Allele origin: germline. Observed: 1 variant allele, 1 heterozygote.

Breakthrough Genomics
Classification: Benign. Review status: criteria provided, single submitter. Criteria: ACMG Guidelines, 2015. Collection method: not provided. Allele origin: germline. Inheritance: Autosomal recessive inheritance. Affected: yes.

Clinical Genetics DNA and cytogenetics Diagnostics Lab, Erasmus MC, Erasmus Medical Center
Classification: Likely benign. Review status: no assertion criteria provided. Collection method: clinical testing. Allele origin: germline. Affected: yes. Study: VKGL Data-share Consensus. Not counted in ClinVar's aggregate classification.

Joint Genome Diagnostic Labs from Nijmegen and Maastricht, Radboudumc and MUMC+
Classification: Benign. Review status: no assertion criteria provided. Collection method: clinical testing. Allele origin: germline. Affected: yes. Study: VKGL Data-share Consensus. Not counted in ClinVar's aggregate classification.

Literature cited by the submitters: PubMed 18235024 (cited by Illumina Laboratory Services, Illumina).

NM_133497.4(KCNV2):c.849G>A (p.Glu283=)

Gene: KCNV2 (potassium voltage-gated channel modifier subfamily V member 2; plus strand). Cytogenetic location: 9p24.2.
Variant type: single nucleotide variant.
Coding change: c.849G>A on transcript NM_133497.4 (MANE Select); coding-DNA position 849, G replaced by A.
Protein change: p.Glu283=; no amino-acid change (glutamic acid 283 retained).
Molecular consequence: synonymous variant.
Genome position (GRCh38, 1-based): chr9:2,718,588, G>A. VCF-style: chr9-2718588-G-A. GRCh37 (hg19) VCF-style: chr9-2718588-G-A.
Identifiers: ClinVar variation 167211 (VCV000167211.46), dbSNP rs17656693, ClinGen allele CA180138.